The following is an entry in ClinVar:

NM_002485.5(NBN):c.1501T>A (p.Trp501Arg)

Gene: NBN (nibrin; minus strand). Cytogenetic location: 8q21.3.
Variant type: single nucleotide variant.
Coding change: c.1501T>A on transcript NM_002485.5 (MANE Select); coding-DNA position 1501, T replaced by A.
Protein change: p.Trp501Arg; replaces tryptophan 501 with arginine.
Molecular consequence: missense variant.
Genome position (GRCh38, 1-based): chr8:89,953,588, A>T on the plus strand (T>A on the coding strand, the complement: NBN is on the minus strand). VCF-style: chr8-89953588-A-T. GRCh37 (hg19) VCF-style: chr8-90965816-A-T.
Other names: c.1255T>A, p.Trp419Arg (NM_001024688.3); short protein forms W501R, W419R.
Identifiers: ClinVar variation 819394 (VCV000819394.4), dbSNP rs1586054279, ClinGen allele CA371655730.
Genomic context (GRCh38, chr8:89,953,588, plus strand): 5'-TATTGTCTGAGTTTGTGTCCACAGGCTCATTCTCAGATAGATGCTGCTCCTTATTTTTCC[A>T]CAATGAGGGTGTAGCAGGTTGTGTTTGTTCTAAAAGAGAACAAGACGTTTCTATTCTTGC-3'
Protein context (NP_002476.2, residues 491-511): EQTQPATPSL[Trp501Arg]KNKEQHLSEN

ClinVar aggregate classification (germline): Uncertain significance (1 of 4 stars; one submission).

Conditions:
Hereditary cancer-predisposing syndrome. Also called: Tumor predisposition; Hereditary neoplastic syndrome; Neoplastic Syndromes, Hereditary; Hereditary Cancer Syndrome. Identifiers: Orphanet 140162, MedGen C0027672, MeSH D009386, MONDO:0015356.

Submission:

Ambry Genetics
Classification: Uncertain significance for Hereditary cancer-predisposing syndrome. Last evaluated: 2017-12-11. Review status: criteria provided, single submitter. Criteria: Ambry Variant Classification Scheme 2023. Collection method: clinical testing. Allele origin: germline.
Comment: The p.W501R variant (also known as c.1501T>A), located in coding exon 11 of the NBN gene, results from a T to A substitution at nucleotide position 1501. The tryptophan at codon 501 is replaced by arginine, an amino acid with dissimilar properties. This amino acid position is not well conserved in available vertebrate species. In addition, this alteration is predicted to be tolerated by in silico analysis. Since supporting evidence is limited at this time, the clinical significance of this alteration remains unclear.